The following is an entry in ClinVar:

NM_000384.3(APOB):c.544G>A (p.Val182Met)

Gene: APOB (apolipoprotein B; minus strand). Cytogenetic location: 2p24.1.
Variant type: single nucleotide variant.
Coding change: c.544G>A on transcript NM_000384.3 (MANE Select); coding-DNA position 544, G replaced by A.
Protein change: p.Val182Met; replaces valine 182 with methionine.
Molecular consequence: missense variant.
Genome position (GRCh38, 1-based): chr2:21,037,249, C>T on the plus strand (G>A on the coding strand, the complement: APOB is on the minus strand). VCF-style: chr2-21037249-C-T. GRCh37 (hg19) VCF-style: chr2-21260121-C-T.
Other names: p.Val182Met; short protein forms V182M.
Identifiers: ClinVar variation 919763 (VCV000919763.9), dbSNP rs769838164, ClinGen allele CA062115.
Genomic context (GRCh38, chr2:21,037,249, plus strand): 5'-CTGTTGCCACATTGCCCTTCCTCGTCTTGACGGTAAAGTGAGTGGAGCAGTTTCCATACA[C>T]GGTATCCTATGGAGGAAGAAGATGCAACCACATGTATTCAACACGGGCAACATCCTTGGG-3'
Protein context (NP_000375.3, residues 172-192): EAKQVLFLDT[Val182Met]YGNCSTHFTV

ClinVar aggregate classification (germline): Conflicting classifications of pathogenicity. Review status: criteria provided, conflicting classifications (1 of 4 stars). 4 submissions from 4 submitters: Uncertain significance (3); Likely benign (1). Last evaluated 2025-01-03.

Conditions:
Cardiovascular phenotype. Identifiers: MedGen CN230736.
Familial hypobetalipoproteinemia 1. Also called: Hypobetalipoproteinemia, normotriglyceridemic; Acanthocytosis with hypobetalipoproteinemia; APOB-Related Familial Hypobetalipoproteinemia. Identifiers: MedGen C4551990, MONDO:0014252, OMIM 615558.
Hypercholesterolemia, autosomal dominant, type B (FHCL2). Also called: Familial Hypercholesterolemia Type B; HYPERCHOLESTEROLEMIA, FAMILIAL, DUE TO LIGAND-DEFECTIVE APOLIPOPROTEIN B; Familial hypercholesterolemia 2; APOB-Related Familial Hypercholesterolemia, Autosomal Dominant; APOLIPOPROTEIN B-100, FAMILIAL DEFECTIVE; APOLIPOPROTEIN B-100, FAMILIAL LIGAND-DEFECTIVE. Identifiers: MedGen C1704417, MONDO:0007751, OMIM 144010.

Allele frequency attached by ClinVar (database versions not stated): gnomAD 0.00001 and 0.00002; TOPMed 0.00002; gnomAD exomes 0.00003; ExAC 0.00004.
gnomAD v4.1: 44 of 1,613,618 alleles (0.0027%); highest among the groups gnomAD compares: South Asian, 0.014%; no homozygotes.

Submissions (4):

Mayo Clinic Laboratories, Mayo Clinic
Classification: Uncertain significance. Last evaluated: 2025-01-03. Review status: criteria provided, single submitter. Criteria: ACMG Guidelines, 2015. Collection method: clinical testing. Allele origin: germline. Observed: 1 variant allele.

Labcorp Genetics (formerly Invitae), Labcorp
Classification: Likely benign for Familial hypobetalipoproteinemia 1; Hypercholesterolemia, autosomal dominant, type B. Last evaluated: 2023-12-13. Review status: criteria provided, single submitter. Criteria: Invitae Variant Classification Sherloc (09022015). Collection method: clinical testing. Allele origin: germline.

Ambry Genetics
Classification: Uncertain significance for Cardiovascular phenotype. Last evaluated: 2023-12-12. Review status: criteria provided, single submitter. Criteria: Ambry Variant Classification Scheme 2023. Collection method: clinical testing. Allele origin: germline.
Comment: The p.V182M variant (also known as c.544G>A), located in coding exon 6 of the APOB gene, results from a G to A substitution at nucleotide position 544. The valine at codon 182 is replaced by methionine, an amino acid with highly similar properties. This amino acid position is well conserved in available vertebrate species. In addition, this alteration is predicted to be deleterious by in silico analysis. Since supporting evidence is limited at this time, the clinical significance of this alteration remains unclear.

Fulgent Genetics
Classification: Uncertain significance for Hypercholesterolemia, autosomal dominant, type B; Familial hypobetalipoproteinemia 1. Last evaluated: 2021-08-13. Review status: criteria provided, single submitter. Criteria: ACMG Guidelines, 2015. Collection method: clinical testing. Allele origin: unknown.

Literature cited by the submitters: PubMed 30076208 (cited by Mayo Clinic Laboratories, Mayo Clinic).